The following is an entry in ClinVar:

ClinVar aggregate classification (germline): Uncertain significance (1 of 4 stars; one submission).

Allele frequency attached by ClinVar (database versions not stated): gnomAD exomes 0.00001; gnomAD 0.00001; TOPMed 0.00002.
gnomAD v4.1: 15 of 1,613,578 alleles (0.00093%); highest among the groups gnomAD compares: South Asian, 0.0055%; no homozygotes.

Submission:

Labcorp Genetics (formerly Invitae), Labcorp
Classification: Uncertain significance. Last evaluated: 2025-03-31. Review status: criteria provided, single submitter. Criteria: Invitae Variant Classification Sherloc (09022015). Collection method: clinical testing. Allele origin: germline.
Comment: This sequence change replaces alanine, which is neutral and non-polar, with valine, which is neutral and non-polar, at codon 1640 of the TUBGCP6 protein (p.Ala1640Val). This variant is present in population databases (no rsID available, gnomAD 0.007%). This variant has not been reported in the literature in individuals affected with TUBGCP6-related conditions. ClinVar contains an entry for this variant (Variation ID: 1424407). An algorithm developed to predict the effect of missense changes on protein structure and function (PolyPhen-2) suggests that this variant is likely to be tolerated. In summary, the available evidence is currently insufficient to determine the role of this variant in disease. Therefore, it has been classified as a Variant of Uncertain Significance.

NM_020461.4(TUBGCP6):c.4919C>T (p.Ala1640Val)

Gene: TUBGCP6 (tubulin gamma complex component 6; minus strand). Cytogenetic location: 22q13.33.
Variant type: single nucleotide variant.
Coding change: c.4919C>T on transcript NM_020461.4 (MANE Select); coding-DNA position 4919, C replaced by T.
Protein change: p.Ala1640Val; replaces alanine 1640 with valine.
Molecular consequence: missense variant.
Genome position (GRCh38, 1-based): chr22:50,218,523, G>A on the plus strand (C>T on the coding strand, the complement: TUBGCP6 is on the minus strand). VCF-style: chr22-50218523-G-A. GRCh37 (hg19) VCF-style: chr22-50656952-G-A.
Other names: short protein forms A1640V.
Identifiers: ClinVar variation 1424407 (VCV001424407.6), dbSNP rs1443452056, ClinGen allele CA412165437.